The following is an entry in ClinVar:

NM_005045.4(RELN):c.79G>A (p.Ala27Thr)

Gene: RELN (reelin; minus strand). Cytogenetic location: 7q22.1.
Variant type: single nucleotide variant.
Coding change: c.79G>A on transcript NM_005045.4 (MANE Select); coding-DNA position 79, G replaced by A.
Protein change: p.Ala27Thr; replaces alanine 27 with threonine.
Molecular consequence: missense variant.
Genome position (GRCh38, 1-based): chr7:103,989,278, C>T on the plus strand (G>A on the coding strand, the complement: RELN is on the minus strand). VCF-style: chr7-103989278-C-T. GRCh37 (hg19) VCF-style: chr7-103629725-C-T.
Other names: c.79G>A, p.Ala27Thr (NM_173054.3); short protein forms A27T.
Identifiers: ClinVar variation 1494395 (VCV001494395.8), dbSNP rs2116860341, ClinGen allele CA368931521.

ClinVar aggregate classification (germline): Uncertain significance (1 of 4 stars; one submission).

Conditions:
Norman-Roberts syndrome (LIS2). Also called: Lissencephaly 2 (Norman-Roberts type). Identifiers: Orphanet 89844, MedGen C0796089, MONDO:0009760, OMIM 257320.
Familial temporal lobe epilepsy 7. Identifiers: Orphanet 101046, MedGen C4225327, MONDO:0014639, OMIM 616436.

Allele frequency attached by ClinVar (database versions not stated): gnomAD exomes 0.00001.
gnomAD v4.1: 9 of 1,613,352 alleles (0.00056%); highest among the groups gnomAD compares: Non-Finnish European, 0.00076%; no homozygotes.

Submission:

Labcorp Genetics (formerly Invitae), Labcorp
Classification: Uncertain significance for Familial temporal lobe epilepsy 7; Norman-Roberts syndrome. Last evaluated: 2021-05-28. Review status: criteria provided, single submitter. Criteria: Invitae Variant Classification Sherloc (09022015). Collection method: clinical testing. Allele origin: germline.
Comment: Algorithms developed to predict the effect of missense changes on protein structure and function output the following: SIFT: "Tolerated"; PolyPhen-2: "Benign"; Align-GVGD: "Class C0". The threonine amino acid residue is found in multiple mammalian species, suggesting that this missense change does not adversely affect protein function. These predictions have not been confirmed by published functional studies and their clinical significance is uncertain. This variant has not been reported in the literature in individuals with RELN-related conditions. This variant is not present in population databases (ExAC no frequency). This sequence change replaces alanine with threonine at codon 27 of the RELN protein (p.Ala27Thr). The alanine residue is weakly conserved and there is a small physicochemical difference between alanine and threonine. In summary, the available evidence is currently insufficient to determine the role of this variant in disease. Therefore, it has been classified as a Variant of Uncertain Significance.